The following is an entry in ClinVar:

ClinVar aggregate classification (germline): Benign/Likely benign. Review status: criteria provided, multiple submitters, no conflicts (2 of 4 stars). 2 submissions from 2 submitters: Benign (1); Likely benign (1). Last evaluated 2026-05-22.

Conditions:
Neurofibromatosis, type 1 (NF1). Also called: Peripheral type neurofibromatosis; NEUROFIBROMATOSIS, TYPE I, SOMATIC; VON RECKLINGHAUSEN DISEASE; Neurofibromatosis, type I. Identifiers: Orphanet 636, MedGen C0027831, MONDO:0018975, OMIM 162200. Disease mechanism: loss of function.

gnomAD v4.1: 1 of 1,614,020 alleles (0.000062%); highest among the groups gnomAD compares: Non-Finnish European, 0.000085%; no homozygotes.

Submissions (2):

Myriad Genetics, Inc.
Classification: Benign for Neurofibromatosis, type 1. Last evaluated: 2026-05-22. Review status: criteria provided, single submitter. Criteria: Myriad Autosomal Dominant, Autosomal Recessive and X-Linked Classification Criteria (2023). Collection method: clinical testing. Allele origin: unknown.
Comment: This variant is considered benign. This variant is a silent/synonymous amino acid change and it is not expected to impact splicing.

Labcorp Genetics (formerly Invitae), Labcorp
Classification: Likely benign for Neurofibromatosis, type 1. Last evaluated: 2020-02-05. Review status: criteria provided, single submitter. Criteria: Invitae Variant Classification Sherloc (09022015). Collection method: clinical testing. Allele origin: germline.

NM_001042492.3(NF1):c.8250C>T (p.Thr2750=)

Gene: NF1 (neurofibromin 1; plus strand). Cytogenetic location: 17q11.2.
Variant type: single nucleotide variant.
Coding change: c.8250C>T on transcript NM_001042492.3 (MANE Select); coding-DNA position 8250, C replaced by T.
Protein change: p.Thr2750=; no amino-acid change (threonine 2750 retained).
Molecular consequence: synonymous variant.
Genome position (GRCh38, 1-based): chr17:31,360,576, C>T. VCF-style: chr17-31360576-C-T. GRCh37 (hg19) VCF-style: chr17-29687594-C-T.
Other names: c.8187C>T, p.Thr2729= (NM_000267.4).
Identifiers: ClinVar variation 1115707 (VCV001115707.8), dbSNP rs769488796, ClinGen allele CA499348972.
Genomic context (GRCh38, chr17:31,360,576, plus strand): 5'-TATTGTTAAGTTTCTTGATGCCTTGATTGACACGTACCTGCCTGGAATTGATGAAGAAAC[C>T]AGTGAAGAATCCCTCCTGACTCCCACATCTCCTTACCCTCCTGCACTGCAGAGCCAGCTT-3'
Protein context (NP_001035957.1, residues 2740-2760): DTYLPGIDEE[Thr2750=]SEESLLTPTS